The following is an entry in ClinVar:

NM_007194.4(CHEK2):c.932A>G (p.Asp311Gly)

Gene: CHEK2 (checkpoint kinase 2; minus strand). Cytogenetic location: 22q12.1.
Variant type: single nucleotide variant.
Coding change: c.932A>G on transcript NM_007194.4 (MANE Select); coding-DNA position 932, A replaced by G.
Protein change: p.Asp311Gly; replaces aspartic acid 311 with glycine.
Molecular consequence: missense variant.
Genome position (GRCh38, 1-based): chr22:28,699,914, T>C on the plus strand (A>G on the coding strand, the complement: CHEK2 is on the minus strand). VCF-style: chr22-28699914-T-C. GRCh37 (hg19) VCF-style: chr22-29095902-T-C.
Other names: c.1061A>G, p.Asp354Gly (NM_001005735.3); c.269A>G, p.Asp90Gly (NM_001257387.3); c.731A>G, p.Asp244Gly (NM_001349956.3); c.932A>G, p.Asp311Gly (NM_145862.3); short protein forms D311G, D244G, D90G, D354G.
Identifiers: ClinVar variation 581428 (VCV000581428.14), dbSNP rs1569121571, ClinGen allele CA411100048.
Genomic context (GRCh38, chr22:28,699,914, plus strand): 5'-ATCTGGTAAAAATAGAGCTTGCAGGTAGCTTCTTTCAGGCGTTTATTCCCCACCACTTTG[T>C]CAAACAGCTCTCCCCCTTCCATCCTGAAACACAAAGGCAAGGCAAGGGGTTCATTCCTGG-3'
Protein context (NP_009125.1, residues 301-321): LELMEGGELF[Asp311Gly]KVVGNKRLKE

ClinVar aggregate classification (germline): Uncertain significance. Review status: criteria provided, multiple submitters, no conflicts (2 of 4 stars). 2 submissions from 2 submitters: Uncertain significance (2). Last evaluated 2023-04-27.

Conditions:
Familial cancer of breast. Also called: BREAST CANCER, FAMILIAL; hereditary breast carcinoma; Hereditary breast cancer. Identifiers: Orphanet 227535, MedGen C0346153, MONDO:0016419, OMIM 114480. Disease mechanism: loss of function.
Hereditary cancer-predisposing syndrome. Also called: Neoplastic Syndromes, Hereditary; Tumor predisposition; Hereditary neoplastic syndrome; Hereditary Cancer Syndrome. Identifiers: Orphanet 140162, MedGen C0027672, MeSH D009386, MONDO:0015356.

Submissions (2):

Ambry Genetics
Classification: Uncertain significance for Hereditary cancer-predisposing syndrome. Last evaluated: 2023-04-27. Review status: criteria provided, single submitter. Criteria: Ambry Variant Classification Scheme 2023. Collection method: clinical testing. Allele origin: germline.
Comment: The p.D311G variant (also known as c.932A>G), located in coding exon 8 of the CHEK2 gene, results from an A to G substitution at nucleotide position 932. The aspartic acid at codon 311 is replaced by glycine, an amino acid with similar properties. This amino acid position is not well conserved in available vertebrate species. In addition, this alteration is predicted to be tolerated by in silico analysis. Since supporting evidence is limited at this time, the clinical significance of this alteration remains unclear.

Labcorp Genetics (formerly Invitae), Labcorp
Classification: Uncertain significance for Familial cancer of breast. Last evaluated: 2021-08-19. Review status: criteria provided, single submitter. Criteria: Invitae Variant Classification Sherloc (09022015). Collection method: clinical testing. Allele origin: germline.
Comment: Algorithms developed to predict the effect of missense changes on protein structure and function are either unavailable or do not agree on the potential impact of this missense change (SIFT: "Deleterious"; PolyPhen-2: "Benign"; Align-GVGD: "Class C0"). ClinVar contains an entry for this variant (Variation ID: 581428). This variant has not been reported in the literature in individuals affected with CHEK2-related conditions. This variant is not present in population databases (ExAC no frequency). This sequence change replaces aspartic acid with glycine at codon 311 of the CHEK2 protein (p.Asp311Gly). The aspartic acid residue is highly conserved and there is a moderate physicochemical difference between aspartic acid and glycine. In summary, the available evidence is currently insufficient to determine the role of this variant in disease. Therefore, it has been classified as a Variant of Uncertain Significance.